The following is an entry in ClinVar:

NM_001029883.3(PCARE):c.2485C>T (p.His829Tyr)

Gene: PCARE (photoreceptor cilium actin regulator; minus strand). Cytogenetic location: 2p23.2.
Variant type: single nucleotide variant.
Coding change: c.2485C>T on transcript NM_001029883.3 (MANE Select); coding-DNA position 2485, C replaced by T.
Protein change: p.His829Tyr; replaces histidine 829 with tyrosine.
Molecular consequence: missense variant.
Genome position (GRCh38, 1-based): chr2:29,071,777, G>A on the plus strand (C>T on the coding strand, the complement: PCARE is on the minus strand). VCF-style: chr2-29071777-G-A. GRCh37 (hg19) VCF-style: chr2-29294643-G-A.
Other names: short protein forms H829Y.
Identifiers: ClinVar variation 1053211 (VCV001053211.9), dbSNP rs536921909, ClinGen allele CA44640992.

ClinVar aggregate classification (germline): Uncertain significance (1 of 4 stars; one submission).

Allele frequency attached by ClinVar (database versions not stated): gnomAD 0.00001; 1000 Genomes Project 30x 0.00031; 1000 Genomes Project 0.00040.
gnomAD v4.1: 3 of 1,613,558 alleles (0.00019%); highest among the groups gnomAD compares: East Asian, 0.0045%; no homozygotes.

Submission:

Labcorp Genetics (formerly Invitae), Labcorp
Classification: Uncertain significance. Last evaluated: 2022-11-29. Review status: criteria provided, single submitter. Criteria: Invitae Variant Classification Sherloc (09022015). Collection method: clinical testing. Allele origin: germline.
Comment: This variant is not present in population databases (gnomAD no frequency). This sequence change replaces histidine, which is basic and polar, with tyrosine, which is neutral and polar, at codon 829 of the PCARE protein (p.His829Tyr). This variant has not been reported in the literature in individuals affected with PCARE-related conditions. In summary, the available evidence is currently insufficient to determine the role of this variant in disease. Therefore, it has been classified as a Variant of Uncertain Significance. Algorithms developed to predict the effect of missense changes on protein structure and function are either unavailable or do not agree on the potential impact of this missense change (SIFT: "Deleterious"; PolyPhen-2: "Benign"; Align-GVGD: "Class C15"). ClinVar contains an entry for this variant (Variation ID: 1053211).